The following is an entry in ClinVar:

NM_000018.4(ACADVL):c.482C>A (p.Ala161Asp)

Gene: ACADVL (acyl-CoA dehydrogenase very long chain; plus strand). Cytogenetic location: 17p13.1.
Variant type: single nucleotide variant.
Coding change: c.482C>A on transcript NM_000018.4 (MANE Select); coding-DNA position 482, C replaced by A.
Protein change: p.Ala161Asp; replaces alanine 161 with aspartic acid.
Molecular consequence: missense variant.
Genome position (GRCh38, 1-based): chr17:7,221,542, C>A. VCF-style: chr17-7221542-C-A. GRCh37 (hg19) VCF-style: chr17-7124861-C-A.
Other names: c.416C>A, p.Ala139Asp (NM_001033859.3); c.551C>A, p.Ala184Asp (NM_001270447.2); c.254C>A, p.Ala85Asp (NM_001270448.2); short protein forms A139D, A85D, A161D, A184D.
Identifiers: ClinVar variation 2776869 (VCV002776869.3), dbSNP rs796051908, ClinGen allele CA397723004.

ClinVar aggregate classification (germline): Likely pathogenic (1 of 4 stars; one submission).

Conditions:
Very long chain acyl-CoA dehydrogenase deficiency (ACADVLD). Also called: VLCAD Deficiency; Very Long-Chain Acyl-Coenzyme A Dehydrogenase Deficiency. Identifiers: Orphanet 26793, MedGen C3887523, MONDO:0008723, OMIM 201475.

Submission:

Labcorp Genetics (formerly Invitae), Labcorp
Classification: Likely pathogenic for Very long chain acyl-CoA dehydrogenase deficiency. Last evaluated: 2023-05-14. Review status: criteria provided, single submitter. Criteria: Invitae Variant Classification Sherloc (09022015). Collection method: clinical testing. Allele origin: germline.
Comment: This variant disrupts the p.Ala161 amino acid residue in ACADVL. Other variant(s) that disrupt this residue have been determined to be pathogenic (PMID: 16488171, 16950999; Invitae). This suggests that this residue is clinically significant, and that variants that disrupt this residue are likely to be disease-causing. Advanced modeling of protein sequence and biophysical properties (such as structural, functional, and spatial information, amino acid conservation, physicochemical variation, residue mobility, and thermodynamic stability) performed at Invitae indicates that this missense variant is expected to disrupt ACADVL protein function. This variant has not been reported in the literature in individuals affected with ACADVL-related conditions. This variant is not present in population databases (gnomAD no frequency). This sequence change replaces alanine, which is neutral and non-polar, with aspartic acid, which is acidic and polar, at codon 161 of the ACADVL protein (p.Ala161Asp). In summary, the currently available evidence indicates that the variant is pathogenic, but additional data are needed to prove that conclusively. Therefore, this variant has been classified as Likely Pathogenic.

Literature cited by the submitters: PubMed 16488171; PubMed 16950999.